The following is an entry in ClinVar:

NM_001127222.2(CACNA1A):c.6662C>A (p.Pro2221Gln)

Gene: CACNA1A (calcium voltage-gated channel subunit alpha1 A; minus strand). Cytogenetic location: 19p13.13.
Variant type: single nucleotide variant.
Coding change: c.6662C>A on transcript NM_001127222.2 (MANE Select); coding-DNA position 6662, C replaced by A.
Protein change: p.Pro2221Gln; replaces proline 2221 with glutamine.
Molecular consequence: missense variant.
Genome position (GRCh38, 1-based): chr19:13,208,874, G>T on the plus strand (C>A on the coding strand, the complement: CACNA1A is on the minus strand). VCF-style: chr19-13208874-G-T. GRCh37 (hg19) VCF-style: chr19-13319688-G-T.
Other names: c.6680C>A, p.Pro2227Gln (NM_000068.4, NM_023035.3); c.6665C>A, p.Pro2222Gln (NM_001127221.2); c.6671C>A, p.Pro2224Gln (NM_001174080.2); short protein forms P2221Q, P2224Q, P2222Q, P2227Q.
Identifiers: ClinVar variation 4989097 (VCV004989097.1).

ClinVar aggregate classification (germline): Uncertain significance (1 of 4 stars; one submission).

Conditions:
CACNA1A-related disorder. Also called: CACNA1A-related condition.

Submission:

PreventionGenetics, part of Exact Sciences
Classification: Uncertain significance for CACNA1A-related condition. Last evaluated: 2026-07-21. Review status: criteria provided, single submitter. Criteria: ACMG Guidelines, 2015. Collection method: clinical testing. Allele origin: germline.
Comment: The CACNA1A c.6662C>A variant is predicted to result in the amino acid substitution p.Pro2221Gln. To our knowledge, this variant has not been reported in the literature or in a large population database, indicating this variant is rare. At this time, the clinical significance of this variant is uncertain due to the absence of conclusive functional and genetic evidence.